The following is an entry in ClinVar:

NM_001166114.2(PNPLA6):c.1429T>G (p.Ser477Ala)

Gene: PNPLA6 (patatin like domain 6, lysophospholipase; plus strand). Cytogenetic location: 19p13.2.
Variant type: single nucleotide variant.
Coding change: c.1429T>G on transcript NM_001166114.2 (MANE Select); coding-DNA position 1429, T replaced by G.
Protein change: p.Ser477Ala; replaces serine 477 with alanine.
Molecular consequence: missense variant.
Genome position (GRCh38, 1-based): chr19:7,542,827, T>G. VCF-style: chr19-7542827-T-G. GRCh37 (hg19) VCF-style: chr19-7607713-T-G.
Other names: c.1456T>G, p.Ser486Ala (NM_001166111.2); c.1312T>G, p.Ser438Ala (NM_001166112.2, NM_001166113.1, NM_006702.5); short protein forms S438A, S477A, S486A.
Identifiers: ClinVar variation 1021496 (VCV001021496.6), dbSNP rs2023217607, ClinGen allele CA403113308.

ClinVar aggregate classification (germline): Uncertain significance (1 of 4 stars; one submission).

Conditions:
Hereditary spastic paraplegia 39 (SPG39). Also called: SPASTIC PARAPLEGIA 39, AUTOSOMAL RECESSIVE; Spastic Paraplegia Type 39 (SPG39). Identifiers: Orphanet 139480, MedGen C2677586, MONDO:0012787, OMIM 612020.

Allele frequency attached by ClinVar (database versions not stated): gnomAD exomes below 0.00001.
gnomAD v4.1: 1 of 1,612,940 alleles (0.000062%); highest among the groups gnomAD compares: Non-Finnish European, 0.000085%; no homozygotes.

Submission:

Labcorp Genetics (formerly Invitae), Labcorp
Classification: Uncertain significance for Hereditary spastic paraplegia 39. Last evaluated: 2022-09-27. Review status: criteria provided, single submitter. Criteria: Invitae Variant Classification Sherloc (09022015). Collection method: clinical testing. Allele origin: germline.
Comment: This sequence change replaces serine, which is neutral and polar, with alanine, which is neutral and non-polar, at codon 438 of the PNPLA6 protein (p.Ser438Ala). This variant is not present in population databases (gnomAD no frequency). This variant has not been reported in the literature in individuals affected with PNPLA6-related conditions. ClinVar contains an entry for this variant (Variation ID: 1021496). Advanced modeling of protein sequence and biophysical properties (such as structural, functional, and spatial information, amino acid conservation, physicochemical variation, residue mobility, and thermodynamic stability) performed at Invitae indicates that this missense variant is not expected to disrupt PNPLA6 protein function. In summary, the available evidence is currently insufficient to determine the role of this variant in disease. Therefore, it has been classified as a Variant of Uncertain Significance.